The following is an entry in ClinVar:

ClinVar aggregate classification (germline): Uncertain significance. Review status: criteria provided, multiple submitters, no conflicts (2 of 4 stars). 3 submissions from 3 submitters: Uncertain significance (3). Last evaluated 2025-04-30.

Conditions:
Inborn genetic diseases. Identifiers: MedGen C0950123, MeSH D030342.
Neurodevelopmental disorder with hypotonia and characteristic brain abnormalities (NEDHBA). Identifiers: Orphanet 664430, MedGen C5935589, MONDO:0958278, OMIM 620746.

Allele frequency attached by ClinVar (database versions not stated): gnomAD 0.00009; TOPMed 0.00010; ExAC 0.00016; gnomAD exomes 0.00018; ESP Exome Variant Server 0.00050.
gnomAD v4.1: 270 of 1,604,810 alleles (0.017%); highest among the groups gnomAD compares: Non-Finnish European, 0.022%; no homozygotes.

Submissions (3):

Ambry Genetics
Classification: Uncertain significance for Inborn genetic diseases. Last evaluated: 2025-04-30. Review status: criteria provided, single submitter. Criteria: Ambry Variant Classification Scheme 2023. Collection method: clinical testing. Allele origin: germline.

Athena Diagnostics
Classification: Uncertain significance. Last evaluated: 2025-03-06. Review status: criteria provided, single submitter. Criteria: Athena Diagnostics Criteria. Collection method: clinical testing. Allele origin: unknown.
Comment: Available data are insufficient to determine the clinical significance of the variant at this time. The frequency of this variant in the general population is uninformative in assessment of its pathogenicity. Polyphen and MutationTaster yielded discordant predictions regarding whether this amino acid change is damaging to the protein.

Clinical Genomics Laboratory, Washington University in St. Louis
Classification: Uncertain significance for Neurodevelopmental disorder with hypotonia and characteristic brain abnormalities. Last evaluated: 2024-06-07. Review status: criteria provided, single submitter. Criteria: ACMG Guidelines, 2015. Collection method: clinical testing. Allele origin: germline.
Comment: The SLC4A10 c.2023C>A (p.Pro675Thr) variant, to our knowledge, has not been reported in the medical literature. This variant has been reported in the ClinVar database as a variant of uncertain significance variant by one submitter (Variation ID: 2514862). This variant is only observed on 17 out of 267,870 alleles in the general population (gnomAD v.2.1.1), indicating it is not a common variant. Computational predictors are uncertain as to the impact of this variant on SLC4A10 function. Due to limited information, and based on ACMG/AMP guidelines for variant interpretation (Richards S et al., PMID: 25741868), the clinical significance of this variant is uncertain at this time.

NM_001178015.2(SLC4A10):c.2023C>A (p.Pro675Thr)

Gene: SLC4A10 (solute carrier family 4 member 10; plus strand). Cytogenetic location: 2q24.2.
Variant type: single nucleotide variant.
Coding change: c.2023C>A on transcript NM_001178015.2 (MANE Select); coding-DNA position 2023, C replaced by A.
Protein change: p.Pro675Thr; replaces proline 675 with threonine.
Molecular consequence: missense variant.
Genome position (GRCh38, 1-based): chr2:161,942,817, C>A. VCF-style: chr2-161942817-C-A. GRCh37 (hg19) VCF-style: chr2-162799327-C-A.
Other names: c.1966C>A, p.Pro656Thr (NM_001178016.2, NM_001354445.2); c.2023C>A, p.Pro675Thr (NM_001354440.2); c.2056C>A, p.Pro686Thr (NM_001354441.2, NM_001354442.2); c.1969C>A, p.Pro657Thr (NM_001354443.2, NM_001354447.2); c.2020C>A, p.Pro674Thr (NM_001354444.2); c.1933C>A, p.Pro645Thr (NM_001354446.2, NM_001354450.2, NM_022058.4); c.1963C>A, p.Pro655Thr (NM_001354448.2); c.1930C>A, p.Pro644Thr (NM_001354449.2, NM_001354451.2); and 3 more; short protein forms P657T, P674T, P452T, P645T, P655T, P687T, P596T, P644T.
Identifiers: ClinVar variation 2514862 (VCV002514862.5), dbSNP rs199725063, ClinGen allele CA1931560.